The following is an entry in ClinVar:

NM_001001548.3(CD36):c.975T>G (p.Tyr325Ter)

Gene: CD36 (CD36 molecule (CD36 blood group); plus strand). Cytogenetic location: 7q21.11.
Variant type: single nucleotide variant.
Coding change: c.975T>G on transcript NM_001001548.3 (MANE Select); coding-DNA position 975, T replaced by G.
Protein change: p.Tyr325Ter; replaces tyrosine 325 with a stop codon.
Molecular consequence: nonsense.
Genome position (GRCh38, 1-based): chr7:80,671,133, T>G. VCF-style: chr7-80671133-T-G. GRCh37 (hg19) VCF-style: chr7-80300449-T-G.
Other names: T1264G; c.975T>G, p.Tyr325Ter (NM_001001547.3, NM_001127443.2, NM_001127444.2 and 5 more transcripts); c.858T>G, p.Tyr286Ter (NM_001289908.1); c.795T>G, p.Tyr265Ter (NM_001289909.1); c.747T>G, p.Tyr249Ter (NM_001289911.2); c.873T>G, p.Tyr291Ter (NM_001371079.1); c.510T>G, p.Tyr170Ter (NM_001371080.1, NM_001371081.1); c.975T>G (NM_001001548.2); short protein forms Y325*, Y249*, Y265*, Y286*, Y170*, Y291*.
Identifiers: ClinVar variation 13536 (VCV000013536.11), dbSNP rs3211938, ClinGen allele CA4315506.

ClinVar aggregate classification (germline): Conflicting classifications of pathogenicity. Review status: criteria provided, conflicting classifications (1 of 4 stars). 5 submissions from 4 submitters: Uncertain significance (2); Benign (1). 2 of the submissions do not count toward it. Last evaluated 2023-09-11.

Conditions:
Platelet-type bleeding disorder 10. Also called: CD36 DEFICIENCY. Identifiers: MedGen C1842090, MONDO:0012031, OMIM 608404.
Malaria, cerebral, susceptibility to. Identifiers: MedGen C1855457.

Allele frequency attached by ClinVar (database versions not stated): gnomAD exomes 0.00240 and 0.00617; ExAC 0.00791; gnomAD 0.02492 and 0.02669; TOPMed 0.02703; ESP Exome Variant Server 0.02791; 1000 Genomes Project 0.03095; 1000 Genomes Project 30x 0.03545.
gnomAD v4.1: 7,379 of 1,612,872 alleles (0.46%); highest among the groups gnomAD compares: African/African-American, 9.1%; 414 homozygotes.

Submissions (5):

Department of Pathology and Laboratory Medicine, Sinai Health System
Classification: Uncertain significance for Platelet-type bleeding disorder 10. Last evaluated: 2023-09-11. Review status: criteria provided, single submitter. Criteria: ACMG Guidelines, 2015. Collection method: research. Allele origin: germline.

Eurofins Ntd Llc (ga)
Classification: Benign. Last evaluated: 2017-05-09. Review status: criteria provided, single submitter. Criteria: EGL Classification Definitions 2015. Collection method: clinical testing. Allele origin: germline. Observed: 1 variant allele, 1 heterozygote.

Illumina Laboratory Services, Illumina
Classification: Uncertain significance for Platelet-type bleeding disorder 10. Last evaluated: 2017-04-27. Review status: criteria provided, single submitter. Criteria: ICSL Variant Classification Criteria 13 December 2019. Collection method: clinical testing. Allele origin: germline.
Comment: This variant was observed as part of a predisposition screen in an ostensibly healthy population. A literature search was performed for the gene, cDNA change, and amino acid change (where applicable). Publications were found based on this search. However, the evidence from the literature, in combination with allele frequency data from public databases where available, was not sufficient to rule this variant in or out of causing disease. Therefore, this variant is classified as a variant of unknown significance.

OMIM
Classification: Pathogenic for PLATELET GLYCOPROTEIN IV DEFICIENCY. Last evaluated: 2008-06-01. Review status: no assertion criteria provided. Collection method: literature only. Allele origin: germline. Not counted in ClinVar's aggregate classification.

OMIM
Classification: risk factor for MALARIA, CEREBRAL, SUSCEPTIBILITY TO. Last evaluated: 2008-06-01. Review status: no assertion criteria provided. Collection method: literature only. Allele origin: germline. Not counted in ClinVar's aggregate classification.

Literature cited by the submitters: PubMed 18305138 (cited by Illumina Laboratory Services, Illumina and OMIM); PubMed 10890433 (cited by Illumina Laboratory Services, Illumina and OMIM); PubMed 19403559 (cited by Illumina Laboratory Services, Illumina).